The following is an entry in ClinVar:

ClinVar aggregate classification (germline): Uncertain significance (1 of 4 stars; one submission).

Submission:

GeneDx
Classification: Uncertain significance. Last evaluated: 2023-12-21. Review status: criteria provided, single submitter. Criteria: GeneDx Variant Classification Process June 2021. Collection method: clinical testing. Allele origin: germline. Affected: yes.
Comment: Not observed at significant frequency in large population cohorts (gnomAD); In silico analysis supports that this missense variant does not alter protein structure/function; Has not been previously published as pathogenic or benign to our knowledge

NM_001282531.3(ADNP):c.2930G>C (p.Gly977Ala)

Gene: ADNP (activity dependent neuroprotector homeobox; minus strand). Cytogenetic location: 20q13.13.
Variant type: single nucleotide variant.
Coding change: c.2930G>C on transcript NM_001282531.3 (MANE Select); coding-DNA position 2930, G replaced by C.
Protein change: p.Gly977Ala; replaces glycine 977 with alanine.
Molecular consequence: missense variant.
Genome position (GRCh38, 1-based): chr20:50,891,784, C>G on the plus strand (G>C on the coding strand, the complement: ADNP is on the minus strand). VCF-style: chr20-50891784-C-G. GRCh37 (hg19) VCF-style: chr20-49508321-C-G.
Other names: c.2930G>C, p.Gly977Ala (NM_001282532.2, NM_001347511.2, NM_015339.5 and 1 more transcripts); short protein forms G977A.
Identifiers: ClinVar variation 3370003 (VCV003370003.1).
Genomic context (GRCh38, chr20:50,891,784, plus strand): 5'-GACCAGGTTCCTGGTTTCATTTCGCAGGTATTGTCCTCAAAGTCTGACACTTGTTGGGAT[C>G]CAGGCCCACTCTCAGATGGAGAAGCACCGTCTTTCCACTCAACAACATCGTCTTGGTCAA-3'
Protein context (NP_001269460.1, residues 967-987): DGASPSESGP[Gly977Ala]SQQVSDFEDN